The following is an entry in ClinVar:

NM_001282531.3(ADNP):c.2126C>T (p.Ser709Phe)

Gene: ADNP (activity dependent neuroprotector homeobox; minus strand). Cytogenetic location: 20q13.13.
Variant type: single nucleotide variant.
Coding change: c.2126C>T on transcript NM_001282531.3 (MANE Select); coding-DNA position 2126, C replaced by T.
Protein change: p.Ser709Phe; replaces serine 709 with phenylalanine.
Molecular consequence: missense variant.
Genome position (GRCh38, 1-based): chr20:50,892,588, G>A on the plus strand (C>T on the coding strand, the complement: ADNP is on the minus strand). VCF-style: chr20-50892588-G-A. GRCh37 (hg19) VCF-style: chr20-49509125-G-A.
Other names: c.2126C>T, p.Ser709Phe (NM_001282532.2, NM_001347511.2, NM_015339.5 and 1 more transcripts); short protein forms S709F.
Identifiers: ClinVar variation 2892303 (VCV002892303.3), dbSNP rs1401494239, ClinGen allele CA408971135.

ClinVar aggregate classification (germline): Uncertain significance (1 of 4 stars; one submission).

Allele frequency attached by ClinVar (database versions not stated): gnomAD exomes below 0.00001; gnomAD 0.00001; TOPMed 0.00001.
gnomAD v4.1: 2 of 1,614,126 alleles (0.00012%); highest among the groups gnomAD compares: Non-Finnish European, 0.00017%; no homozygotes.

Submission:

Labcorp Genetics (formerly Invitae), Labcorp
Classification: Uncertain significance. Last evaluated: 2023-05-21. Review status: criteria provided, single submitter. Criteria: Invitae Variant Classification Sherloc (09022015). Collection method: clinical testing. Allele origin: germline.
Comment: In summary, the available evidence is currently insufficient to determine the role of this variant in disease. Therefore, it has been classified as a Variant of Uncertain Significance. An algorithm developed to predict the effect of missense changes on protein structure and function (PolyPhen-2) suggests that this variant is likely to be tolerated. This variant has not been reported in the literature in individuals affected with ADNP-related conditions. This variant is not present in population databases (gnomAD no frequency). This sequence change replaces serine, which is neutral and polar, with phenylalanine, which is neutral and non-polar, at codon 709 of the ADNP protein (p.Ser709Phe).